The following is an entry in ClinVar:

ClinVar aggregate classification (germline): Uncertain significance. Review status: criteria provided, multiple submitters, no conflicts (2 of 4 stars). 2 submissions from 2 submitters: Uncertain significance (2). Last evaluated 2024-01-01.

Conditions:
Tuberous sclerosis 1 (TSC1). Identifiers: Orphanet 805, MedGen C1854465, MONDO:0008612, OMIM 191100.
Isolated focal cortical dysplasia type II (FCORD2). Also called: Focal cortical dysplasia type II; CORTICAL DYSPLASIA OF TAYLOR. Identifiers: Orphanet 268994, MedGen C1846385, MONDO:0011818, OMIM 607341, HP:0032051.

Submissions (2):

Baylor Genetics
Classification: Uncertain significance for Isolated focal cortical dysplasia type II. Last evaluated: 2024-01-01. Review status: criteria provided, single submitter. Criteria: ACMG Guidelines, 2015. Collection method: clinical testing. Allele origin: unknown.

Labcorp Genetics (formerly Invitae), Labcorp
Classification: Uncertain significance for Tuberous sclerosis 1. Last evaluated: 2020-11-05. Review status: criteria provided, single submitter. Criteria: Invitae Variant Classification Sherloc (09022015). Collection method: clinical testing. Allele origin: germline.
Comment: In summary, the available evidence is currently insufficient to determine the role of this variant in disease. Therefore, it has been classified as a Variant of Uncertain Significance. This variant is not present in population databases (ExAC no frequency). This variant has not been reported in the literature in individuals with TSC1-related conditions. This sequence change replaces histidine with aspartic acid at codon 226 of the TSC1 protein (p.His226Asp). The histidine residue is moderately conserved and there is a moderate physicochemical difference between histidine and aspartic acid. Algorithms developed to predict the effect of missense changes on protein structure and function are either unavailable or do not agree on the potential impact of this missense change (SIFT: "Tolerated"; PolyPhen-2: "Probably Damaging"; Align-GVGD: "Class C0").

NM_000368.5(TSC1):c.676C>G (p.His226Asp)

Gene: TSC1 (TSC complex subunit 1; minus strand). Cytogenetic location: 9q34.13.
Variant type: single nucleotide variant.
Coding change: c.676C>G on transcript NM_000368.5 (MANE Select); coding-DNA position 676, C replaced by G.
Protein change: p.His226Asp; replaces histidine 226 with aspartic acid.
Molecular consequence: missense variant.
Genome position (GRCh38, 1-based): chr9:132,921,424, G>C on the plus strand (C>G on the coding strand, the complement: TSC1 is on the minus strand). VCF-style: chr9-132921424-G-C. GRCh37 (hg19) VCF-style: chr9-135796811-G-C.
Other names: c.676C>G, p.His226Asp (NM_001162426.2); c.523C>G, p.His175Asp (NM_001162427.2); c.313C>G, p.His105Asp (NM_001362177.2); short protein forms H226D, H105D, H175D.
Identifiers: ClinVar variation 1375064 (VCV001375064.9), dbSNP rs2132137589, ClinGen allele CA375371481.